The following is an entry in ClinVar:

NM_003998.4(NFKB1):c.493G>A (p.Gly165Ser)

Gene: NFKB1 (nuclear factor kappa B subunit 1; plus strand). Cytogenetic location: 4q24.
Variant type: single nucleotide variant.
Coding change: c.493G>A on transcript NM_003998.4 (MANE Select); coding-DNA position 493, G replaced by A.
Protein change: p.Gly165Ser; replaces glycine 165 with serine.
Molecular consequence: missense variant.
Genome position (GRCh38, 1-based): chr4:102,576,961, G>A. VCF-style: chr4-102576961-G-A. GRCh37 (hg19) VCF-style: chr4-103498118-G-A.
Other names: c.490G>A, p.Gly164Ser (NM_001165412.2, NM_001319226.2, NM_001382627.1); c.493G>A, p.Gly165Ser (NM_001382625.1, NM_001382626.1); c.451G>A, p.Gly151Ser (NM_001382628.1); short protein forms G151S, G164S, G165S.
Identifiers: ClinVar variation 2052962 (VCV002052962.4), dbSNP rs376562815, ClinGen allele CA3025893.

ClinVar aggregate classification (germline): Uncertain significance (1 of 4 stars; one submission).

Allele frequency attached by ClinVar (database versions not stated): gnomAD exomes below 0.00001; TOPMed below 0.00001; ExAC 0.00002; ESP Exome Variant Server 0.00008.
gnomAD v4.1: 4 of 1,613,866 alleles (0.00025%); highest among the groups gnomAD compares: Non-Finnish European, 0.00034%; no homozygotes.

Submission:

Labcorp Genetics (formerly Invitae), Labcorp
Classification: Uncertain significance. Last evaluated: 2021-12-22. Review status: criteria provided, single submitter. Criteria: Invitae Variant Classification Sherloc (09022015). Collection method: clinical testing. Allele origin: germline.
Comment: In summary, the available evidence is currently insufficient to determine the role of this variant in disease. Therefore, it has been classified as a Variant of Uncertain Significance. This sequence change replaces glycine, which is neutral and non-polar, with serine, which is neutral and polar, at codon 165 of the NFKB1 protein (p.Gly165Ser). This variant is present in population databases (rs376562815, gnomAD 0.003%). This variant has not been reported in the literature in individuals affected with NFKB1-related conditions. Algorithms developed to predict the effect of missense changes on protein structure and function are either unavailable or do not agree on the potential impact of this missense change (SIFT: "Deleterious"; PolyPhen-2: "Possibly Damaging"; Align-GVGD: "Class C0").